The following is an entry in ClinVar:

ClinVar aggregate classification (germline): Uncertain significance (1 of 4 stars; one submission).

Conditions:
Cystic fibrosis (CF). Also called: MUCOVISCIDOSIS. Identifiers: Orphanet 586, MedGen C0010674, MONDO:0009061, OMIM 219700. Disease mechanism: loss of function.

Submission:

Ambry Genetics
Classification: Uncertain significance for Cystic fibrosis. Last evaluated: 2026-06-20. Review status: criteria provided, single submitter. Criteria: Ambry Variant Classification Scheme 2023. Collection method: clinical testing. Allele origin: germline.
Comment: The p.L881R variant (also known as c.2642T>G), located in coding exon 16 of the CFTR gene, results from a T to G substitution at nucleotide position 2642. The leucine at codon 881 is replaced by arginine, an amino acid with dissimilar properties. This amino acid position is conserved. In addition, this alteration is predicted to be deleterious by in silico analysis. Based on the available evidence, the clinical significance of this variant remains unclear.

NM_000492.4(CFTR):c.2642T>G (p.Leu881Arg)

Gene: CFTR (CF transmembrane conductance regulator; plus strand). Cytogenetic location: 7q31.2.
Variant type: single nucleotide variant.
Coding change: c.2642T>G on transcript NM_000492.4 (MANE Select); coding-DNA position 2642, T replaced by G.
Protein change: p.Leu881Arg; replaces leucine 881 with arginine.
Molecular consequence: missense variant.
Genome position (GRCh38, 1-based): chr7:117,602,848, T>G. VCF-style: chr7-117602848-T-G. GRCh37 (hg19) VCF-style: chr7-117242902-T-G.
Other names: short protein forms L881R.
Identifiers: ClinVar variation 5034428 (VCV005034428.1).